The following is an entry in ClinVar:

NM_177438.3(DICER1):c.5251A>G (p.Lys1751Glu)

Gene: DICER1 (dicer 1, ribonuclease III; minus strand). Cytogenetic location: 14q32.13.
Variant type: single nucleotide variant.
Coding change: c.5251A>G on transcript NM_177438.3 (MANE Select); coding-DNA position 5251, A replaced by G.
Protein change: p.Lys1751Glu; replaces lysine 1751 with glutamic acid.
Molecular consequence: missense variant. On other transcripts: non-coding transcript variant (6).
Genome position (GRCh38, 1-based): chr14:95,094,001, T>C on the plus strand (A>G on the coding strand, the complement: DICER1 is on the minus strand). VCF-style: chr14-95094001-T-C. GRCh37 (hg19) VCF-style: chr14-95560338-T-C.
Other names: c.5251A>G, p.Lys1751Glu (NM_001395680.1, NM_001395682.1, NM_001395683.1 and 8 more transcripts); c.4969A>G, p.Lys1657Glu (NM_001395686.1); c.4846A>G, p.Lys1616Glu (NM_001395687.1, NM_001395688.1, NM_001395689.1 and 1 more transcripts); c.4684A>G, p.Lys1562Glu (NM_001395691.1); c.3568A>G, p.Lys1190Glu (NM_001395697.1); short protein forms K1562E, K1616E, K1751E, K1657E, K1190E.
Identifiers: ClinVar variation 3664237 (VCV003664237.2).
Genomic context (GRCh38, chr14:95,094,001, plus strand): 5'-CATCAATGACATGGAAGAGCTCAGGAGAGACAGCTTTGAAGTACTTGTGGTAGTCGTACT[T>C]TACAGCCAGCGATGCAAAGATGGTGTTGTTGACCAGGGCAGACCGCAGGTCTGTCAGGAC-3'
Protein context (NP_803187.1, residues 1741-1761): NNTIFASLAV[Lys1751Glu]YDYHKYFKAV

ClinVar aggregate classification (germline): Uncertain significance (1 of 4 stars; one submission).

Conditions:
DICER1-related tumor predisposition. Also called: DICER1-related pleuropulmonary blastoma cancer predisposition syndrome; DICER1 syndrome. Identifiers: Orphanet 284343, MedGen C3839822, MONDO:0100216.

Submission:

Labcorp Genetics (formerly Invitae), Labcorp
Classification: Uncertain significance for DICER1-related tumor predisposition. Last evaluated: 2024-09-02. Review status: criteria provided, single submitter. Criteria: Invitae Variant Classification Sherloc (09022015). Collection method: clinical testing. Allele origin: germline.
Comment: This sequence change replaces lysine, which is basic and polar, with glutamic acid, which is acidic and polar, at codon 1751 of the DICER1 protein (p.Lys1751Glu). This variant is not present in population databases (gnomAD no frequency). This variant has not been reported in the literature in individuals affected with DICER1-related conditions. Invitae Evidence Modeling of protein sequence and biophysical properties (such as structural, functional, and spatial information, amino acid conservation, physicochemical variation, residue mobility, and thermodynamic stability) indicates that this missense variant is expected to disrupt DICER1 protein function with a positive predictive value of 80%. In summary, the available evidence is currently insufficient to determine the role of this variant in disease. Therefore, it has been classified as a Variant of Uncertain Significance.